The following is an entry in ClinVar:

ClinVar aggregate classification (germline): Uncertain significance (1 of 4 stars; one submission).

gnomAD v4.1: 54 of 1,613,600 alleles (0.0033%); highest among the groups gnomAD compares: Non-Finnish European, 0.0041%; no homozygotes.

Submission:

CeGaT Center for Human Genetics Tuebingen
Classification: Uncertain significance. Last evaluated: 2024-12-01. Review status: criteria provided, single submitter. Criteria: CeGaT Center For Human Genetics Tuebingen Variant Classification Criteria Version 2. Collection method: clinical testing. Allele origin: germline. Affected: yes. Observed: 1 variant allele.
Comment: CABP2: PM2, PM3:Supporting, PP3

NM_016366.3(CABP2):c.286G>A (p.Gly96Ser)

Gene: CABP2 (calcium binding protein 2; minus strand). Cytogenetic location: 11q13.2.
Variant type: single nucleotide variant.
Coding change: c.286G>A on transcript NM_016366.3 (MANE Select); coding-DNA position 286, G replaced by A.
Protein change: p.Gly96Ser; replaces glycine 96 with serine.
Molecular consequence: missense variant.
Genome position (GRCh38, 1-based): chr11:67,521,118, C>T on the plus strand (G>A on the coding strand, the complement: CABP2 is on the minus strand). VCF-style: chr11-67521118-C-T. GRCh37 (hg19) VCF-style: chr11-67288589-C-T.
Other names: c.304G>A, p.Gly102Ser (NM_001318496.2); short protein forms G102S, G96S.
Identifiers: ClinVar variation 3771485 (VCV003771485.13).
Genomic context (GRCh38, chr11:67,521,118, plus strand): 5'-CGGTGGGCATGTAGCCCAGGGTCCGCATGCAGGCACCCAGCTCCCGGCAGCCAATGTAGC[C>T]GTCCCGGTCTCGGTCAAACTCCTGGAAGGCGACCTGCAGCTCTGCCAGGCAGGGTGGGGT-3'
Protein context (NP_057450.2, residues 86-106): AFQEFDRDRD[Gly96Ser]YIGCRELGAC